The following is an entry in ClinVar:

NM_001256627.2(BRSK2):c.1674C>T (p.Pro558=)

Gene: BRSK2 (BR serine/threonine kinase 2; plus strand). Cytogenetic location: 11p15.5.
Variant type: single nucleotide variant.
Coding change: c.1674C>T on transcript NM_001256627.2 (MANE Select); coding-DNA position 1674, C replaced by T.
Protein change: p.Pro558=; no amino-acid change (proline 558 retained).
Molecular consequence: synonymous variant. On other transcripts: non-coding transcript variant (1).
Genome position (GRCh38, 1-based): chr11:1,456,353, C>T. VCF-style: chr11-1456353-C-T. GRCh37 (hg19) VCF-style: chr11-1477583-C-T.
Other names: c.1674C>T, p.Pro558= (NM_001256629.2, NM_003957.4); c.1812C>T, p.Pro604= (NM_001256630.1); c.1494C>T, p.Pro498= (NM_001282218.2).
Identifiers: ClinVar variation 2641341 (VCV002641341.24), dbSNP rs1307785943, ClinGen allele CA471974140.
Genomic context (GRCh38, chr11:1,456,353, plus strand): 5'-GGGCCAGGGTGGGACCTGCCAGGCCAGCCACGCTCACGCTGCTCTCTCTCCACAGATTCC[C>T]AGTCTCAGCCACAGCGTCATCTCCCAAACGAGCTTCCGGGCCGAGTACAAGGCCACGGGG-3'
Protein context (NP_001243556.1, residues 548-568): ADIVHAFLSI[Pro558=]SLSHSVISQT

ClinVar aggregate classification (germline): Likely benign (1 of 4 stars; one submission).

Submission:

CeGaT Center for Human Genetics Tuebingen
Classification: Likely benign. Last evaluated: 2023-07-01. Review status: criteria provided, single submitter. Criteria: CeGaT Center For Human Genetics Tuebingen Variant Classification Criteria Version 2. Collection method: clinical testing. Allele origin: germline. Affected: yes. Observed: 1 variant allele.
Comment: BRSK2: BP4, BP7